The following is an entry in ClinVar:

ClinVar aggregate classification (germline): Uncertain significance (1 of 4 stars; one submission).

Conditions:
Tumor predisposition syndrome 3 (TPDS3). Also called: Glioma susceptibility 9; LONG TELOMERE SYNDROME, POT1-RELATED; POT1 Tumor Predisposition; Melanoma, cutaneous malignant, susceptibility to, 10. Identifiers: Orphanet 618, MedGen C4014476, MONDO:0014368, OMIM 615848.

Submission:

Labcorp Genetics (formerly Invitae), Labcorp
Classification: Uncertain significance for Tumor predisposition syndrome 3. Last evaluated: 2019-06-06. Review status: criteria provided, single submitter. Criteria: Invitae Variant Classification Sherloc (09022015). Collection method: clinical testing. Allele origin: germline.
Comment: This sequence change replaces asparagine with lysine at codon 428 of the POT1 protein (p.Asn428Lys). The asparagine residue is weakly conserved and there is a moderate physicochemical difference between asparagine and lysine. In summary, the available evidence is currently insufficient to determine the role of this variant in disease. Therefore, it has been classified as a Variant of Uncertain Significance. Algorithms developed to predict the effect of missense changes on protein structure and function (SIFT, PolyPhen-2, Align-GVGD) all suggest that this variant is likely to be tolerated, but these predictions have not been confirmed by published functional studies and their clinical significance is uncertain. This variant has not been reported in the literature in individuals with POT1-related conditions. This variant is not present in population databases (ExAC no frequency).

NM_015450.3(POT1):c.1284T>A (p.Asn428Lys)

Gene: POT1 (protection of telomeres 1; minus strand). Cytogenetic location: 7q31.33.
Variant type: single nucleotide variant.
Coding change: c.1284T>A on transcript NM_015450.3 (MANE Select); coding-DNA position 1284, T replaced by A.
Protein change: p.Asn428Lys; replaces asparagine 428 with lysine.
Molecular consequence: missense variant. On other transcripts: non-coding transcript variant (3).
Genome position (GRCh38, 1-based): chr7:124,841,058, A>T on the plus strand (T>A on the coding strand, the complement: POT1 is on the minus strand). VCF-style: chr7-124841058-A-T. GRCh37 (hg19) VCF-style: chr7-124481112-A-T.
Other names: c.891T>A, p.Asn297Lys (NM_001042594.2); short protein forms N428K, N297K.
Identifiers: ClinVar variation 937321 (VCV000937321.10), dbSNP rs141341950, ClinGen allele CA369067136.